The following is an entry in ClinVar:

ClinVar aggregate classification (germline): Uncertain significance (1 of 4 stars; one submission).

Conditions:
MOGS-congenital disorder of glycosylation. Also called: CDG IIb; GLUCOSIDASE I DEFICIENCY; MOGS-CDG; CDG 2B. Identifiers: Orphanet 79330, MedGen C1853736, MONDO:0011629, OMIM 606056.

Submission:

Labcorp Genetics (formerly Invitae), Labcorp
Classification: Uncertain significance for MOGS-congenital disorder of glycosylation. Last evaluated: 2025-06-08. Review status: criteria provided, single submitter. Criteria: Invitae Variant Classification Sherloc (09022015). Collection method: clinical testing. Allele origin: germline.
Comment: This variant, c.97_105del, results in the deletion of 3 amino acid(s) of the MOGS protein (p.Arg33_Gly35del), but otherwise preserves the integrity of the reading frame. This variant is not present in population databases (gnomAD no frequency). This variant has not been reported in the literature in individuals affected with MOGS-related conditions. Experimental studies and prediction algorithms are not available or were not evaluated, and the functional significance of this variant is currently unknown. In summary, the available evidence is currently insufficient to determine the role of this variant in disease. Therefore, it has been classified as a Variant of Uncertain Significance.

NM_006302.3(MOGS):c.97_105del (p.Arg33_Gly35del)

Genes: MOGS (mannosyl-oligosaccharide glucosidase; minus strand), LOC129934128 (ATAC-STARR-seq lymphoblastoid silent region 11664; plus strand). Cytogenetic location: 2p13.1.
Variant type: Deletion.
Coding change: c.97_105del on transcript NM_006302.3 (MANE Select); coding-DNA positions 97 to 105, 9 bases deleted (CGGGGCGGC; older notation c.97_105delCGGGGCGGC).
Protein change: p.Arg33_Gly35del.
Molecular consequence: intron variant (on NM_001146158.2).
Genome position (GRCh38, 1-based): chr2:74,465,143-74,465,151, GCCGCCCCG deleted on the plus strand (CGGGGCGGC on the coding strand, the reverse complement: MOGS is on the minus strand); deleting any 9 consecutive bases within chr2:74,465,143-74,465,155 gives the same sequence; the c. name uses the placement nearest the transcript's 3' end. VCF-style (leftmost placement, unchanged base first): chr2-74465142-CGCCGCCCCG-C. GRCh37 (hg19) VCF-style: chr2-74692269-CGCCGCCCCG-C.
Other names: c.-59+163_-58-156del (NM_001146158.2).
Identifiers: ClinVar variation 4806330 (VCV004806330.1).